The following is an entry in ClinVar:

NM_144991.3(TSPEAR):c.1251G>C (p.Gln417His)

Gene: TSPEAR (thrombospondin type laminin G domain and EAR repeats; minus strand). Cytogenetic location: 21q22.3.
Variant type: single nucleotide variant.
Coding change: c.1251G>C on transcript NM_144991.3 (MANE Select); coding-DNA position 1251, G replaced by C.
Protein change: p.Gln417His; replaces glutamine 417 with histidine.
Molecular consequence: missense variant.
Genome position (GRCh38, 1-based): chr21:44,525,738, C>G on the plus strand (G>C on the coding strand, the complement: TSPEAR is on the minus strand). VCF-style: chr21-44525738-C-G. GRCh37 (hg19) VCF-style: chr21-45945621-C-G.
Other names: c.1047G>C, p.Gln349His (NM_001272037.2); short protein forms Q349H, Q417H.
Identifiers: ClinVar variation 4974486 (VCV004974486.1).

ClinVar aggregate classification (germline): Likely pathogenic (1 of 4 stars; one submission).

Conditions:
Ectodermal dysplasia 14, hair/tooth type with or without hypohidrosis. Identifiers: Orphanet 685067, MedGen C4748560, MONDO:0032584, OMIM 618180.

gnomAD v4.1: 15 of 1,614,070 alleles (0.00093%); highest among the groups gnomAD compares: East Asian, 0.0022%; no homozygotes.

Submission:

Lupski Lab, Baylor-Hopkins CMG, Baylor College of Medicine
Classification: Likely pathogenic for Ectodermal dysplasia 14, hair/tooth type with or without hypohidrosis. Last evaluated: 2026-07-01. Review status: criteria provided, single submitter. Criteria: ACMG Guidelines, 2015. Collection method: research. Allele origin: maternal, paternal, germline. Inheritance: Autosomal recessive inheritance. Affected: yes and no. Observed: 5 variant alleles, 3 heterozygotes, 2 compound heterozygotes. Clinical features observed: Hyperpigmentation of the skin (HP:0000953), Atopic eczema (HP:0001047), Abnormal toenail morphology (HP:0008388), Abnormal fingernail morphology (HP:0001231), Tooth agenesis (HP:0009804), Hypodontia (HP:0000668), Small, conical teeth (HP:0200141), Abnormal dental morphology (HP:0006482), Irregular dentition (HP:0040079), Microdontia (HP:0000691), Abnormal sweat gland morphology (HP:0000971), Heat intolerance (HP:0002046).
Comment: This variant has also been independently identified in two affected siblings with ectodermal dysplasia type 14 in an unrelated family, where it was observed in the compound heterozygous state with a canonical splice acceptor variant (c.543-1G>A) predicted by SpliceAI to abolish splicing (score 0.99) (PMID: 40428341)(PM3_Moderate= +2pts). The variant is present at extremely low frequency in gnomAD (PM2_Supporting= +1pt). In silico prediction tools support a deleterious effect on the gene product, with an aggregated Franklin score of 0.865 (PP3_Moderate= +2pts). The variant is located in exon 8, within the EAR repeat region of TSPEAR (exons 7–12), which has been reported to be enriched for missense variants and relatively intolerant to variation based on sub-RVIS scoring (PMID:34042254) (PM1_Supporting= +1pt). 6 pts (PM3 +2, PM2 +1, PP3 +2, PM1 +1).

Literature cited by the submitters: PubMed 40428341; PubMed 34042254.